The following is an entry in ClinVar:

ClinVar aggregate classification (germline): Uncertain significance (1 of 4 stars; one submission).

Conditions:
Jeune thoracic dystrophy. Also called: Jeune syndrome; Infantile thoracic dystrophy; Thoracic pelvic phalangeal dystrophy; Jeune's syndrome; Chondroectodermal dysplasia-like syndrome; Short-rib thoracic dysplasia. Identifiers: Orphanet 474, MedGen C0265275, MONDO:0018770.
Nephronophthisis. Also called: Juvenile Nephronophthisis. Identifiers: Orphanet 655, MedGen C0687120, MONDO:0019005, HP:0000090.

Submission:

Labcorp Genetics (formerly Invitae), Labcorp
Classification: Uncertain significance for Jeune thoracic dystrophy; Nephronophthisis. Last evaluated: 2022-05-29. Review status: criteria provided, single submitter. Criteria: Invitae Variant Classification Sherloc (09022015). Collection method: clinical testing. Allele origin: germline.
Comment: This variant has not been reported in the literature in individuals affected with TTC21B-related conditions. Algorithms developed to predict the effect of sequence changes on RNA splicing suggest that this variant may disrupt the consensus splice site. In summary, the available evidence is currently insufficient to determine the role of this variant in disease. Therefore, it has been classified as a Variant of Uncertain Significance. This variant is not present in population databases (gnomAD no frequency). This sequence change affects codon 481 of the TTC21B mRNA. It is a 'silent' change, meaning that it does not change the encoded amino acid sequence of the TTC21B protein.

NM_024753.5(TTC21B):c.1443G>A (p.Leu481=)

Gene: TTC21B (tetratricopeptide repeat domain 21B; minus strand). Cytogenetic location: 2q24.3.
Variant type: single nucleotide variant.
Coding change: c.1443G>A on transcript NM_024753.5 (MANE Select); coding-DNA position 1443, G replaced by A.
Protein change: p.Leu481=; no amino-acid change (leucine 481 retained).
Molecular consequence: synonymous variant.
Genome position (GRCh38, 1-based): chr2:165,924,622, C>T on the plus strand (G>A on the coding strand, the complement: TTC21B is on the minus strand). VCF-style: chr2-165924622-C-T. GRCh37 (hg19) VCF-style: chr2-166781132-C-T.
Identifiers: ClinVar variation 2000767 (VCV002000767.4), dbSNP rs1686554908, ClinGen allele CA429900958.